The following is an entry in ClinVar:

NM_000038.6(APC):c.2942C>G (p.Pro981Arg)

Gene: APC (APC regulator of Wnt signaling pathway; plus strand). Cytogenetic location: 5q22.2.
Variant type: single nucleotide variant.
Coding change: c.2942C>G on transcript NM_000038.6 (MANE Select); coding-DNA position 2942, C replaced by G.
Protein change: p.Pro981Arg; replaces proline 981 with arginine.
Molecular consequence: missense variant.
Genome position (GRCh38, 1-based): chr5:112,838,536, C>G. VCF-style: chr5-112838536-C-G. GRCh37 (hg19) VCF-style: chr5-112174233-C-G.
Other names: p.P981R:CCC>CGC; c.2942C>G, p.Pro981Arg (NM_001127510.3, NM_001354895.2); c.2888C>G, p.Pro963Arg (NM_001127511.3); c.2996C>G, p.Pro999Arg (NM_001354896.2); c.2972C>G, p.Pro991Arg (NM_001354897.2); c.2867C>G, p.Pro956Arg (NM_001354898.2); c.2858C>G, p.Pro953Arg (NM_001354899.2); c.2819C>G, p.Pro940Arg (NM_001354900.2); and 6 more; short protein forms P981R, P963R, P821R, P922R, P956R, P890R, P999R, P698R.
Identifiers: ClinVar variation 127282 (VCV000127282.27), dbSNP rs587779784, ClinGen allele CA007917.

ClinVar aggregate classification (germline): Uncertain significance. Review status: criteria provided, multiple submitters, no conflicts (2 of 4 stars). 9 submissions from 9 submitters: Uncertain significance (9). Last evaluated 2026-01-25.

Conditions:
Classic or attenuated familial adenomatous polyposis. Identifiers: MedGen CN372698, MONDO:0021057.
Hereditary cancer-predisposing syndrome. Also called: Hereditary Cancer Syndrome; Hereditary neoplastic syndrome; Tumor predisposition; Neoplastic Syndromes, Hereditary. Identifiers: Orphanet 140162, MedGen C0027672, MeSH D009386, MONDO:0015356.
Familial adenomatous polyposis 1 (FAP1). Also called: FAMILIAL ADENOMATOUS POLYPOSIS 1, ATTENUATED; POLYPOSIS, ADENOMATOUS INTESTINAL. Identifiers: MedGen C2713442, MONDO:0021056, OMIM 175100. Disease mechanism: loss of function.

Allele frequency attached by ClinVar (database versions not stated): ExAC 0.00001; gnomAD exomes 0.00001.
gnomAD v4.1: 34 of 1,614,018 alleles (0.0021%); highest among the groups gnomAD compares: Non-Finnish European, 0.0029%; no homozygotes.

Submissions (9):

Labcorp Genetics (formerly Invitae), Labcorp
Classification: Uncertain significance for Familial adenomatous polyposis 1. Last evaluated: 2026-01-25. Review status: criteria provided, single submitter. Criteria: Invitae Variant Classification Sherloc (09022015). Collection method: clinical testing. Allele origin: germline.
Comment: This sequence change replaces proline, which is neutral and non-polar, with arginine, which is basic and polar, at codon 981 of the APC protein (p.Pro981Arg). This variant is present in population databases (rs587779784, gnomAD 0.003%). This missense change has been observed in individual(s) with colorectal adenomas (PMID: 18199528). ClinVar contains an entry for this variant (Variation ID: 127282). Invitae Evidence Modeling of protein sequence and biophysical properties (such as structural, functional, and spatial information, amino acid conservation, physicochemical variation, residue mobility, and thermodynamic stability) indicates that this missense variant is not expected to disrupt APC protein function with a negative predictive value of 95%. In summary, the available evidence is currently insufficient to determine the role of this variant in disease. Therefore, it has been classified as a Variant of Uncertain Significance.

Women's Health and Genetics/Laboratory Corporation of America, LabCorp
Classification: Uncertain significance. Last evaluated: 2025-06-05. Review status: criteria provided, single submitter. Criteria: LabCorp Variant Classification Summary - May 2015. Collection method: clinical testing. Allele origin: germline.
Comment: Variant summary: APC c.2942C>G (p.Pro981Arg) results in a non-conservative amino acid change in the encoded protein sequence. Algorithms developed to predict the effect of missense changes on protein structure and function all suggest that this variant is likely to be disruptive. The variant allele was found at a frequency of 1.2e-05 in 253226 control chromosomes. The available data on variant occurrences in the general population are insufficient to allow any conclusion about variant significance. c.2942C>G has been observed in individual(s) affected with colorectal adenomas and colorectal cancer, without strong evidence for causality (e.g. Azzopardi_2008, Cohen_2016, Minde_2011, Rosenthal_2018). These reports do not provide unequivocal conclusions about association of the variant with Familial Adenomatous Polyposis. To our knowledge, no experimental evidence demonstrating an impact on protein function has been reported. The following publications have been ascertained in the context of this evaluation (PMID: 21859464, 18199528, 26480326, 30267214). ClinVar contains an entry for this variant (Variation ID: 127282). Based on the evidence outlined above, the variant was classified as uncertain significance.

Ambry Genetics
Classification: Uncertain significance for Hereditary cancer-predisposing syndrome. Last evaluated: 2025-05-16. Review status: criteria provided, single submitter. Criteria: Ambry Variant Classification Scheme 2023. Collection method: clinical testing. Allele origin: germline.
Comment: The p.P981R variant (also known as c.2942C>G), located in coding exon 15 of the APC gene, results from a C to G substitution at nucleotide position 2942. The proline at codon 981 is replaced by arginine, an amino acid with dissimilar properties. This alteration has been reported in a cohort of 691 North American patients with colorectal adenomas (Azzopardi D et al. Cancer Res., 2008 Jan;68:358-63) and has also been reported in a cohort of of individuals diagnosed with colorectal cancer under the age of 65 (Rosenthal EA. Hum Genet. 2018 Oct;137(10):795-806). This amino acid position is highly conserved in available vertebrate species. In addition, in silico predictors for this gene do not accurately predict pathogenicity. Since supporting evidence is limited at this time, the clinical significance of this alteration remains unclear.

Baylor Genetics
Classification: Uncertain significance for Familial adenomatous polyposis 1. Last evaluated: 2024-03-20. Review status: criteria provided, single submitter. Criteria: ACMG Guidelines, 2015. Collection method: clinical testing. Allele origin: unknown.

All of Us Research Program, National Institutes of Health
Classification: Uncertain significance for Classic or attenuated familial adenomatous polyposis. Last evaluated: 2023-12-13. Review status: criteria provided, single submitter. Criteria: ACMG Guidelines, 2015. Collection method: clinical testing. Allele origin: germline. Inheritance: Autosomal dominant inheritance. Observed: 1 variant allele, 1 heterozygote.
Comment: This missense variant replaces proline with arginine at codon 981 of the APC protein. Computational prediction suggests that this variant may have deleterious impact on protein structure and function (internally defined REVEL score threshold >= 0.7, PMID: 27666373). Splice site prediction tools suggest that this variant may not impact RNA splicing. To our knowledge, functional studies have not been reported for this variant. This variant has been reported in two individuals affected with colorectal adenoma as well as in individuals affected with colorectal cancer (PMID: 18199528, 21859464, 26480326, 30267214). This variant has been identified in 3/251288 chromosomes in the general population by the Genome Aggregation Database (gnomAD). The available evidence is insufficient to determine the role of this variant in disease conclusively. Therefore, this variant is classified as a Variant of Uncertain Significance.

This study involves interpretation of variants in research participants for the purpose of population health screening. Participant phenotype was not available at the time of variant classification. Additional details can be found in publication PMID: 35346344, PMCID: PMC8962531

Color Diagnostics, LLC DBA Color Health
Classification: Uncertain significance for Hereditary cancer-predisposing syndrome. Last evaluated: 2023-11-09. Review status: criteria provided, single submitter. Criteria: ACMG Guidelines, 2015. Collection method: clinical testing. Allele origin: germline.
Comment: This missense variant replaces proline with arginine at codon 981 of the APC protein. Computational prediction suggests that this variant may have deleterious impact on protein structure and function (internally defined REVEL score threshold >= 0.7, PMID: 27666373). Splice site prediction tools suggest that this variant may not impact RNA splicing. To our knowledge, functional studies have not been reported for this variant. This variant has been reported in two individuals affected with colorectal adenoma as well as in individuals affected with colorectal cancer (PMID: 18199528, 21859464, 26480326, 30267214). This variant has been identified in 3/251288 chromosomes in the general population by the Genome Aggregation Database (gnomAD). The available evidence is insufficient to determine the role of this variant in disease conclusively. Therefore, this variant is classified as a Variant of Uncertain Significance.

Sema4
Classification: Uncertain significance for Hereditary cancer-predisposing syndrome. Last evaluated: 2022-02-23. Review status: criteria provided, single submitter. Criteria: Sema4 Curation Guidelines. Collection method: curation. Allele origin: germline.
Comment: The APC c.2942C>G (p.P981R) variant has been reported in heterozygosity in at least three individuals with colorectal adenomas or colorectal cancer (PMID: 18199528, 26480326). It was observed in 3/113588 chromosomes of the Non-Finnish European subpopulation in the large and broad cohorts of the Genome Aggregation Database (PMID: 32461654). This variant has been reported in ClinVar (Variation ID 127282). In silico tools suggest the impact of the variant on protein function is deleterious, though these predictions have not been confirmed by functional studies. The evidence is insufficient to meet ACMG/AMP criteria for classifying the variant as benign or pathogenic. Thus, the clinical significance of this variant is currently uncertain.

GeneDx
Classification: Uncertain significance. Last evaluated: 2018-10-09. Review status: criteria provided, single submitter. Criteria: GeneDx Variant Classification (06012015). Collection method: clinical testing. Allele origin: germline. Affected: yes.
Comment: This variant is denoted APC c.2942C>G at the cDNA level, p.Pro981Arg (P981R) at the protein level, and results in the change of a Proline to an Arginine (CCC>CGC). This variant was observed in two individuals with colorectal adenomas who were classified as non-FAP, non-MAP patients (Azzopardi 2008). APC Pro981Arg was not observed at a significant allele frequency in large population cohorts (Lek 2016). This variant is not located in a known functional domain. In silico analysis, which includes protein predictors and evolutionary conservation, supports a deleterious effect. Based on currently available evidence, it is unclear whether APC Pro981Arg is a pathogenic or benign variant. We consider it to be a variant of uncertain significance.

CSER _CC_NCGL, University of Washington
Classification: Uncertain significance for Familial Adenomatous Polyposis. Last evaluated: 2015-03-11. Review status: criteria provided, single submitter. Criteria: Amendola et al. (Genome Res. 2015). Collection method: research. Allele origin: germline. Inheritance: Autosomal dominant inheritance. Study: CSER - NEXT Medicine variant annotation.

Literature cited by the submitters: PubMed 18199528 (cited by 6 submitters); PubMed 21859464 (cited by 3 submitters); PubMed 26480326 (cited by 4 submitters); PubMed 30267214 (cited by 4 submitters).